The following is an entry in ClinVar:

ClinVar aggregate classification (germline): Uncertain significance (1 of 4 stars; one submission).

Conditions:
Cardiomyopathy (CMYO). Also called: Cardiomyopathies. Identifiers: Orphanet 167848, MedGen C0878544, MONDO:0004994, HP:0001638. Inheritance: Various modes of inheritance.

Allele frequency attached by ClinVar (database versions not stated): gnomAD exomes below 0.00001; ExAC 0.00001.
gnomAD v4.1: 2 of 1,613,878 alleles (0.00012%); highest among the groups gnomAD compares: South Asian, 0.0011%; no homozygotes.

Submission:

Color Diagnostics, LLC DBA Color Health
Classification: Uncertain significance for Cardiomyopathy. Last evaluated: 2024-03-06. Review status: criteria provided, single submitter. Criteria: ACMG Guidelines, 2015. Collection method: clinical testing. Allele origin: germline.
Comment: This missense variant replaces threonine with isoleucine at codon 1447 of the RYR2 protein. Computational prediction suggests that this variant may have deleterious impact on protein structure and function (internally defined REVEL score threshold >= 0.7, PMID: 27666373). Splice site prediction tools suggest that this variant may not impact RNA splicing. To our knowledge, functional studies have not been performed for this variant. This variant has not been reported in individuals affected with cardiovascular disorders in the literature. This variant has been identified in 1/248978 chromosomes in the general population by the Genome Aggregation Database (gnomAD). The available evidence is insufficient to determine the role of this variant in disease conclusively. Therefore, this variant is classified as a Variant of Uncertain Significance.

NM_001035.3(RYR2):c.4340C>T (p.Thr1447Ile)

Gene: RYR2 (ryanodine receptor 2; plus strand). Cytogenetic location: 1q43.
Variant type: single nucleotide variant.
Coding change: c.4340C>T on transcript NM_001035.3 (MANE Select); coding-DNA position 4340, C replaced by T.
Protein change: p.Thr1447Ile; replaces threonine 1447 with isoleucine.
Molecular consequence: missense variant.
Genome position (GRCh38, 1-based): chr1:237,593,540, C>T. VCF-style: chr1-237593540-C-T. GRCh37 (hg19) VCF-style: chr1-237756840-C-T.
Other names: short protein forms T1447I.
Identifiers: ClinVar variation 919728 (VCV000919728.4), dbSNP rs759197026, ClinGen allele CA086599.